The following is an entry in ClinVar:

NM_001267550.2(TTN):c.26028G>A (p.Trp8676Ter)

Gene: TTN (titin; minus strand). Cytogenetic location: 2q31.2.
Variant type: single nucleotide variant.
Coding change: c.26028G>A on transcript NM_001267550.2 (MANE Select); coding-DNA position 26028, G replaced by A.
Protein change: p.Trp8676Ter; replaces tryptophan 8676 with a stop codon.
Molecular consequence: nonsense. On other transcripts: intron variant (3).
Genome position (GRCh38, 1-based): chr2:178,715,158, C>T on the plus strand (G>A on the coding strand, the complement: TTN is on the minus strand). VCF-style: chr2-178715158-C-T. GRCh37 (hg19) VCF-style: chr2-179579885-C-T.
Other names: p.W8359*:TGG>TGA; c.25077G>A, p.Trp8359Ter (NM_001256850.1); c.22296G>A, p.Trp7432Ter (NM_133378.4); c.13282+22924G>A (NM_003319.4); c.13858+22924G>A (NM_133437.4); c.13657+22924G>A (NM_133432.3); short protein forms W8359*, W8676*, W7432*.
Identifiers: ClinVar variation 202535 (VCV000202535.10), dbSNP rs794729389, ClinGen allele CA309537.
Genomic context (GRCh38, chr2:178,715,158, plus strand): 5'-GAAGTTCTCAGACATTATCTTGTACTTCTTGCCGCTCCTAAGTTCTCTCTTGTCTTTATA[C>T]CAAGAAACGTGAAATGGGGGAGTGCCCTGAAGCTCACATTCAAGGTGAACATCAGCTCCT-3'

ClinVar aggregate classification (germline): Conflicting classifications of pathogenicity. Review status: criteria provided, conflicting classifications (1 of 4 stars). 3 submissions from 3 submitters: Likely pathogenic (2); Uncertain significance (1). Last evaluated 2025-12-15.

Conditions:
Dilated cardiomyopathy 1G (CMD1G). Identifiers: Orphanet 154, MedGen C1858763, MONDO:0011400, OMIM 604145.
Autosomal recessive limb-girdle muscular dystrophy type 2J (LGMDR10). Also called: MUSCULAR DYSTROPHY, LIMB-GIRDLE, AUTOSOMAL RECESSIVE 10; Limb-girdle muscular dystrophy, type 2J. Identifiers: Orphanet 140922, MedGen C1837342, MONDO:0012127, OMIM 608807.
Early-onset myopathy with fatal cardiomyopathy (CMYO5). Also called: CONGENITAL MYOPATHY 5 WITH CARDIOMYOPATHY; Salih Myopathy. Identifiers: Orphanet 289377, MedGen C2673677, MONDO:0012714, OMIM 611705. Disease mechanism: loss of function.

Submissions (3):

Labcorp Genetics (formerly Invitae), Labcorp
Classification: Likely pathogenic for Dilated cardiomyopathy 1G; Autosomal recessive limb-girdle muscular dystrophy type 2J. Last evaluated: 2025-12-15. Review status: criteria provided, single submitter. Criteria: Invitae Variant Classification Sherloc (09022015). Collection method: clinical testing. Allele origin: germline.
Comment: This sequence change creates a premature translational stop signal (p.Trp8676*) in the TTN gene. While this is not anticipated to result in nonsense mediated decay, it is expected to create a truncated TTN protein. This variant is not present in population databases (gnomAD no frequency). This variant has not been observed in the literature in individuals with autosomal recessive TTN-related conditions. This variant has been reported in individual(s) with dilated cardiomyopathy (PMID: 32815318); however, the role of the variant in this condition is currently unclear. ClinVar contains an entry for this variant (Variation ID: 202535). This variant is located in the I band of TTN (PMID: 25589632). Truncating variants in this region have been reported in individuals affected with autosomal recessive centronuclear myopathy (PMID: 23975875, internal data). Truncating variants in this region have also been identified in individuals affected with autosomal dominant dilated cardiomyopathy and/or cardio-related conditions (PMID: 27869827, 32964742, internal data). In summary, the currently available evidence indicates that the variant is pathogenic, but additional data are needed to prove that conclusively. Therefore, this variant has been classified as Likely Pathogenic.

3billion
Classification: Likely pathogenic for Early-onset myopathy with fatal cardiomyopathy. Last evaluated: 2023-08-02. Review status: criteria provided, single submitter. Criteria: ACMG Guidelines, 2015. Collection method: clinical testing. Allele origin: germline. Affected: yes.
Comment: The variant is not observed in the gnomAD v2.1.1 dataset. Predicted Consequence/Location: Stop-gained (nonsense) Therefore, this variant is classified as VUS according to the recommendation of ACMG/AMP guideline.

GeneDx
Classification: Uncertain significance. Last evaluated: 2014-09-04. Review status: criteria provided, single submitter. Criteria: GeneDx Variant Classification (06012015). Collection method: clinical testing. Allele origin: germline. Affected: yes.
Comment: p.Trp8359Ter (TGG>TGA): c.25077 G>A in exon 88 of the TTN gene (NM_001256850.1) The W8359X variant in the TTN gene has not been reported as a disease-causing mutation or as a benign polymorphism to our knowledge. The W8359X variant was not observed in approximately 6,000 individuals of European and African American ancestry in the NHLBI Exome Sequencing Project, indicating it is not a common benign variant in these populations. Additionally, W8359X is predicted to cause loss of normal protein function either by protein truncation or nonsense-mediated mRNA decay. However, this variant is not located in the A-band region of titin, where the majority of mutations associated with DCM have been reported (Herman D et al., 2012). Other truncating TTN variants have been reported in approximately 3% of control alleles (Herman D et al., 2012).Therefore, based on the currently available information, it is unclear whether this variant is a pathogenic mutation or a rare benign variant. The variant is found in CARDIOMYOPATHY panel(s).

Literature cited by the submitters: PubMed 32815318 (cited by Labcorp Genetics (formerly Invitae), Labcorp); PubMed 25589632 (cited by Labcorp Genetics (formerly Invitae), Labcorp); PubMed 23975875 (cited by Labcorp Genetics (formerly Invitae), Labcorp); PubMed 27869827 (cited by Labcorp Genetics (formerly Invitae), Labcorp); PubMed 32964742 (cited by Labcorp Genetics (formerly Invitae), Labcorp).